The following is an entry in ClinVar:

ClinVar aggregate classification (germline): Conflicting classifications of pathogenicity. Review status: criteria provided, conflicting classifications (1 of 4 stars). 2 submissions from 2 submitters: Uncertain significance (1); Benign (1). Last evaluated 2025-07-13.

Conditions:
Carney complex, type 1 (CNC1). Also called: CARNEY MYXOMA-ENDOCRINE COMPLEX; CARNEY COMPLEX, TYPE I. Identifiers: Orphanet 1359, MedGen C2607929, MONDO:0008057, OMIM 160980.
Hereditary cancer-predisposing syndrome. Also called: Tumor predisposition; Hereditary Cancer Syndrome; Hereditary neoplastic syndrome; Neoplastic Syndromes, Hereditary. Identifiers: Orphanet 140162, MedGen C0027672, MeSH D009386, MONDO:0015356.

Allele frequency attached by ClinVar (database versions not stated): gnomAD below 0.00001 and 0.00001; gnomAD exomes 0.00001; ExAC 0.00002.
gnomAD v4.1: 13 of 1,613,856 alleles (0.00081%); highest among the groups gnomAD compares: South Asian, 0.012%; no homozygotes.

Submissions (2):

Labcorp Genetics (formerly Invitae), Labcorp
Classification: Uncertain significance for Carney complex, type 1. Last evaluated: 2025-07-13. Review status: criteria provided, single submitter. Criteria: Invitae Variant Classification Sherloc (09022015). Collection method: clinical testing. Allele origin: germline.
Comment: This sequence change falls in intron 6 of the PRKAR1A gene. It does not directly change the encoded amino acid sequence of the PRKAR1A protein. It affects a nucleotide within the consensus splice site. This variant is present in population databases (rs766440476, gnomAD 0.01%). This variant has not been reported in the literature in individuals affected with PRKAR1A-related conditions. ClinVar contains an entry for this variant (Variation ID: 486161). Variants that disrupt the consensus splice site are a relatively common cause of aberrant splicing (PMID: 17576681, 9536098). Algorithms developed to predict the effect of sequence changes on RNA splicing suggest that this variant is not likely to affect RNA splicing. In summary, the available evidence is currently insufficient to determine the role of this variant in disease. Therefore, it has been classified as a Variant of Uncertain Significance.

Ambry Genetics
Classification: Benign for Hereditary cancer-predisposing syndrome. Last evaluated: 2024-07-23. Review status: criteria provided, single submitter. Criteria: Ambry Variant Classification Scheme 2023. Collection method: clinical testing. Allele origin: germline.

Literature cited by the submitters: PubMed 17576681 (cited by Labcorp Genetics (formerly Invitae), Labcorp); PubMed 9536098 (cited by Labcorp Genetics (formerly Invitae), Labcorp).

NM_002734.5(PRKAR1A):c.550-3T>C

Gene: PRKAR1A (protein kinase cAMP-dependent type I regulatory subunit alpha; plus strand). Cytogenetic location: 17q24.2.
Variant type: single nucleotide variant.
Coding change: c.550-3T>C on transcript NM_002734.5 (MANE Select); 3 bases into the intron before coding-DNA position 550, T replaced by C.
Molecular consequence: intron variant.
Genome position (GRCh38, 1-based): chr17:68,525,751, T>C. VCF-style: chr17-68525751-T-C. GRCh37 (hg19) VCF-style: chr17-66521892-T-C.
Other names: c.550-3T>C (NM_001278433.2, NM_001369389.1, NM_212471.3 and 4 more transcripts).
Identifiers: ClinVar variation 486161 (VCV000486161.14), dbSNP rs766440476, ClinGen allele CA8729318.